The following is an entry in ClinVar:

ClinVar aggregate classification (germline): Likely pathogenic (1 of 4 stars; one submission).

Submission:

GeneDx
Classification: Likely pathogenic. Last evaluated: 2026-10-13. Review status: criteria provided, single submitter. Criteria: GeneDx Variant Classification Process June 2021. Collection method: clinical testing. Allele origin: germline.
Comment: Observed in large aggregate datasets examining de novo variants in patients with various developmental disorders (PMID: 35982160, 35982159); Not observed at significant frequency in large population cohorts (gnomAD); In silico analysis supports that this missense variant has a deleterious effect on protein structure/function; This variant is associated with the following publications: (PMID: 35982160, 35982159)

NM_001382241.1(TNPO2):c.1006C>T (p.Arg336Cys)

Gene: TNPO2 (transportin 2; minus strand). Cytogenetic location: 19p13.13.
Variant type: single nucleotide variant.
Coding change: c.1006C>T on transcript NM_001382241.1 (MANE Select); coding-DNA position 1006, C replaced by T.
Protein change: p.Arg336Cys; replaces arginine 336 with cysteine.
Molecular consequence: missense variant. On other transcripts: non-coding transcript variant (5).
Genome position (GRCh38, 1-based): chr19:12,711,407, G>A on the plus strand (C>T on the coding strand, the complement: TNPO2 is on the minus strand). VCF-style: chr19-12711407-G-A. GRCh37 (hg19) VCF-style: chr19-12822221-G-A.
Other names: c.1006C>T, p.Arg336Cys (NM_001382240.1, NM_001382242.1, NM_001382243.1 and 7 more transcripts); short protein forms R336C.
Identifiers: ClinVar variation 3390422 (VCV003390422.2).